The following is an entry in ClinVar:

ClinVar aggregate classification (germline): Uncertain significance (1 of 4 stars; one submission).

Conditions:
Intellectual developmental disorder, autosomal dominant 1. Also called: Intellectual disability, autosomal dominant 1; MBD5 Haploinsufficiency. Identifiers: Orphanet 228402, MedGen C1969562, MONDO:0007974, OMIM 156200.

Allele frequency attached by ClinVar (database versions not stated): gnomAD exomes 0.00001.
gnomAD v4.1: 9 of 1,613,822 alleles (0.00056%); highest among the groups gnomAD compares: Admixed American, 0.0033%; no homozygotes.

Submission:

Labcorp Genetics (formerly Invitae), Labcorp
Classification: Uncertain significance for Intellectual developmental disorder, autosomal dominant 1. Last evaluated: 2020-09-14. Review status: criteria provided, single submitter. Criteria: Invitae Variant Classification Sherloc (09022015). Collection method: clinical testing. Allele origin: germline.
Comment: In summary, the available evidence is currently insufficient to determine the role of this variant in disease. Therefore, it has been classified as a Variant of Uncertain Significance. Algorithms developed to predict the effect of missense changes on protein structure and function are either unavailable or do not agree on the potential impact of this missense change (SIFT: "Deleterious"; PolyPhen-2: "Possibly Damaging"; Align-GVGD: "Class C15"). This variant has not been reported in the literature in individuals with MBD5-related conditions. This variant is not present in population databases (ExAC no frequency). This sequence change replaces glycine with valine at codon 694 of the MBD5 protein (p.Gly694Val). The glycine residue is highly conserved and there is a moderate physicochemical difference between glycine and valine.

NM_001378120.1(MBD5):c.2081G>T (p.Gly694Val)

Gene: MBD5 (methyl-CpG binding domain protein 5; plus strand). Cytogenetic location: 2q23.1.
Variant type: single nucleotide variant.
Coding change: c.2081G>T on transcript NM_001378120.1 (MANE Select); coding-DNA position 2081, G replaced by T.
Protein change: p.Gly694Val; replaces glycine 694 with valine.
Molecular consequence: missense variant.
Genome position (GRCh38, 1-based): chr2:148,470,024, G>T. VCF-style: chr2-148470024-G-T. GRCh37 (hg19) VCF-style: chr2-149227593-G-T.
Other names: c.2081G>T, p.Gly694Val (NM_018328.5); short protein forms G694V.
Identifiers: ClinVar variation 1059373 (VCV001059373.9), dbSNP rs1417817158, ClinGen allele CA348721073.